The following is an entry in ClinVar:

NM_001165963.4(SCN1A):c.754A>C (p.Ile252Leu)

Gene: SCN1A (sodium voltage-gated channel alpha subunit 1; minus strand). Cytogenetic location: 2q24.3.
Variant type: single nucleotide variant.
Coding change: c.754A>C on transcript NM_001165963.4 (MANE Select); coding-DNA position 754, A replaced by C.
Protein change: p.Ile252Leu; replaces isoleucine 252 with leucine.
Molecular consequence: missense variant. On other transcripts: 5 prime UTR variant (1), non-coding transcript variant (1).
Genome position (GRCh38, 1-based): chr2:166,051,929, T>G on the plus strand (A>C on the coding strand, the complement: SCN1A is on the minus strand). VCF-style: chr2-166051929-T-G. GRCh37 (hg19) VCF-style: chr2-166908439-T-G.
Other names: c.754A>C, p.Ile252Leu (NM_001165964.3, NM_001202435.3, NM_001353948.2 and 10 more transcripts); c.-1672A>C (NM_001353961.2); short protein forms I252L.
Identifiers: ClinVar variation 2036212 (VCV002036212.4), dbSNP rs2468224333, ClinGen allele CA349073583.

ClinVar aggregate classification (germline): Likely pathogenic (1 of 4 stars; one submission).

Conditions:
Early-infantile DEE. Also called: Ohtahara syndrome; Early infantile epileptic encephalopathy with suppression bursts; Early infantile epileptic encephalopathy. Identifiers: Orphanet 1934, MedGen C0393706, MONDO:0800491.

Submission:

Labcorp Genetics (formerly Invitae), Labcorp
Classification: Likely pathogenic for Early-infantile DEE. Last evaluated: 2022-10-19. Review status: criteria provided, single submitter. Criteria: Invitae Variant Classification Sherloc (09022015). Collection method: clinical testing. Allele origin: germline.
Comment: This variant has not been reported in the literature in individuals affected with SCN1A-related conditions. This variant is not present in population databases (gnomAD no frequency). This sequence change replaces isoleucine, which is neutral and non-polar, with leucine, which is neutral and non-polar, at codon 252 of the SCN1A protein (p.Ile252Leu). Advanced modeling of protein sequence and biophysical properties (such as structural, functional, and spatial information, amino acid conservation, physicochemical variation, residue mobility, and thermodynamic stability) performed at Invitae indicates that this missense variant is expected to disrupt SCN1A protein function. In summary, the currently available evidence indicates that the variant is pathogenic, but additional data are needed to prove that conclusively. Therefore, this variant has been classified as Likely Pathogenic. This variant disrupts the p.Ile252 amino acid residue in SCN1A. Other variant(s) that disrupt this residue have been determined to be pathogenic (PMID: 15087100; Invitae). This suggests that this residue is clinically significant, and that variants that disrupt this residue are likely to be disease-causing.

Literature cited by the submitters: PubMed 15087100.